The following is an entry in ClinVar:

ClinVar aggregate classification (germline): Uncertain significance (1 of 4 stars; one submission).

Submission:

Labcorp Genetics (formerly Invitae), Labcorp
Classification: Uncertain significance. Last evaluated: 2023-01-22. Review status: criteria provided, single submitter. Criteria: Invitae Variant Classification Sherloc (09022015). Collection method: clinical testing. Allele origin: germline.
Comment: In summary, the available evidence is currently insufficient to determine the role of this variant in disease. Therefore, it has been classified as a Variant of Uncertain Significance. Algorithms developed to predict the effect of missense changes on protein structure and function (SIFT, PolyPhen-2, Align-GVGD) all suggest that this variant is likely to be disruptive. This variant has not been reported in the literature in individuals affected with OGT-related conditions. This variant is not present in population databases (gnomAD no frequency). This sequence change replaces glycine, which is neutral and non-polar, with valine, which is neutral and non-polar, at codon 1030 of the OGT protein (p.Gly1030Val).

NM_181672.3(OGT):c.3089G>T (p.Gly1030Val)

Gene: OGT (O-linked N-acetylglucosamine (GlcNAc) transferase; plus strand). Cytogenetic location: Xq13.1.
Variant type: single nucleotide variant.
Coding change: c.3089G>T on transcript NM_181672.3 (MANE Select); coding-DNA position 3089, G replaced by T.
Protein change: p.Gly1030Val; replaces glycine 1030 with valine.
Molecular consequence: missense variant.
Genome position (GRCh38, 1-based): chrX:71,573,742, G>T. VCF-style: chrX-71573742-G-T. GRCh37 (hg19) VCF-style: chrX-70793592-G-T.
Other names: c.3059G>T, p.Gly1020Val (NM_181673.3); short protein forms G1020V, G1030V.
Identifiers: ClinVar variation 2831192 (VCV002831192.3), dbSNP rs2522869620, ClinGen allele CA413527629.